The following is an entry in ClinVar:

ClinVar aggregate classification (germline): Uncertain significance. Review status: criteria provided, multiple submitters, no conflicts (2 of 4 stars). 2 submissions from 2 submitters: Uncertain significance (2). Last evaluated 2025-08-24.

gnomAD v4.1: 36 of 1,613,760 alleles (0.0022%); highest among the groups gnomAD compares: South Asian, 0.019%; no homozygotes.

Submissions (2):

Labcorp Genetics (formerly Invitae), Labcorp
Classification: Uncertain significance. Last evaluated: 2025-08-24. Review status: criteria provided, single submitter. Criteria: Invitae Variant Classification Sherloc (09022015). Collection method: clinical testing. Allele origin: germline.
Comment: This sequence change replaces arginine, which is basic and polar, with tryptophan, which is neutral and slightly polar, at codon 439 of the TOP1MT protein (p.Arg439Trp). This variant is present in population databases (rs767402481, gnomAD 0.02%). This variant has not been reported in the literature in individuals affected with TOP1MT-related conditions. Invitae Evidence Modeling of protein sequence and biophysical properties (such as structural, functional, and spatial information, amino acid conservation, physicochemical variation, residue mobility, and thermodynamic stability) indicates that this missense variant is not expected to disrupt TOP1MT protein function with a negative predictive value of 80%. In summary, the available evidence is currently insufficient to determine the role of this variant in disease. Therefore, it has been classified as a Variant of Uncertain Significance.

Ambry Genetics
Classification: Uncertain significance. Last evaluated: 2025-06-19. Review status: criteria provided, single submitter. Criteria: Ambry Variant Classification Scheme 2023. Collection method: clinical testing. Allele origin: germline.

NM_052963.3(TOP1MT):c.1315C>T (p.Arg439Trp)

Gene: TOP1MT (DNA topoisomerase I mitochondrial; minus strand). Cytogenetic location: 8q24.3.
Variant type: single nucleotide variant.
Coding change: c.1315C>T on transcript NM_052963.3 (MANE Select); coding-DNA position 1315, C replaced by T.
Protein change: p.Arg439Trp; replaces arginine 439 with tryptophan.
Molecular consequence: missense variant.
Genome position (GRCh38, 1-based): chr8:143,317,738, G>A on the plus strand (C>T on the coding strand, the complement: TOP1MT is on the minus strand). VCF-style: chr8-143317738-G-A. GRCh37 (hg19) VCF-style: chr8-144399908-G-A.
Other names: c.1021C>T, p.Arg341Trp (NM_001258446.1, NM_001258447.1); short protein forms R341W, R439W.
Identifiers: ClinVar variation 4189001 (VCV004189001.2).